The following is an entry in ClinVar:

ClinVar aggregate classification (germline): Uncertain significance (1 of 4 stars; one submission).

Submission:

Labcorp Genetics (formerly Invitae), Labcorp
Classification: Uncertain significance. Last evaluated: 2025-01-13. Review status: criteria provided, single submitter. Criteria: Invitae Variant Classification Sherloc (09022015). Collection method: clinical testing. Allele origin: germline.
Comment: This sequence change replaces threonine, which is neutral and polar, with serine, which is neutral and polar, at codon 25 of the LMNB1 protein (p.Thr25Ser). This variant is not present in population databases (gnomAD no frequency). This variant has not been reported in the literature in individuals affected with LMNB1-related conditions. Invitae Evidence Modeling of protein sequence and biophysical properties (such as structural, functional, and spatial information, amino acid conservation, physicochemical variation, residue mobility, and thermodynamic stability) indicates that this missense variant is not expected to disrupt LMNB1 protein function with a negative predictive value of 80%. In summary, the available evidence is currently insufficient to determine the role of this variant in disease. Therefore, it has been classified as a Variant of Uncertain Significance.

NM_005573.4(LMNB1):c.73A>T (p.Thr25Ser)

Gene: LMNB1 (lamin B1; plus strand). Cytogenetic location: 5q23.2.
Variant type: single nucleotide variant.
Coding change: c.73A>T on transcript NM_005573.4 (MANE Select); coding-DNA position 73, A replaced by T.
Protein change: p.Thr25Ser; replaces threonine 25 with serine.
Molecular consequence: missense variant. On other transcripts: non-coding transcript variant (2), intron variant (1).
Genome position (GRCh38, 1-based): chr5:126,777,581, A>T. VCF-style: chr5-126777581-A-T. GRCh37 (hg19) VCF-style: chr5-126113273-A-T.
Other names: c.-272+337A>T (NM_001198557.2); short protein forms T25S.
Identifiers: ClinVar variation 3641804 (VCV003641804.2).
Genomic context (GRCh38, chr5:126,777,581, plus strand): 5'-ACCCCCGTGCCGCCGCGGATGGGCAGCCGCGCTGGCGGCCCCACCACGCCGCTGAGCCCC[A>T]CGCGCCTGTCGCGGCTCCAGGAGAAGGAGGAGCTGCGCGAGCTCAATGACCGGCTGGCGG-3'
Protein context (NP_005564.1, residues 15-35): AGGPTTPLSP[Thr25Ser]RLSRLQEKEE